The following is an entry in ClinVar:

NM_001040142.2(SCN2A):c.4463T>A (p.Ile1488Asn)

Gene: SCN2A (sodium voltage-gated channel alpha subunit 2; plus strand). Cytogenetic location: 2q24.3.
Variant type: single nucleotide variant.
Coding change: c.4463T>A on transcript NM_001040142.2 (MANE Select); coding-DNA position 4463, T replaced by A.
Protein change: p.Ile1488Asn; replaces isoleucine 1488 with asparagine.
Molecular consequence: missense variant.
Genome position (GRCh38, 1-based): chr2:165,381,109, T>A. VCF-style: chr2-165381109-T-A. GRCh37 (hg19) VCF-style: chr2-166237619-T-A.
Other names: p.I1488N:ATT>AAT; c.4463T>A, p.Ile1488Asn (NM_001040143.2, NM_001371246.1, NM_001371247.1 and 1 more transcripts); short protein forms I1488N.
Identifiers: ClinVar variation 207006 (VCV000207006.3), dbSNP rs796053144, ClinGen allele CA317979.

ClinVar aggregate classification (germline): Likely pathogenic (1 of 4 stars; one submission).

Submission:

GeneDx
Classification: Likely pathogenic. Last evaluated: 2021-01-15. Review status: criteria provided, single submitter. Criteria: GeneDx Variant Classification Process June 2021. Collection method: clinical testing. Allele origin: germline. Affected: yes.
Comment: Not observed in large population cohorts (Lek et al., 2016); Missense variants in this gene are often considered pathogenic (Stenson et al., 2014); In silico analysis supports that this missense variant has a deleterious effect on protein structure/function; This variant is associated with the following publications: (PMID: 28837158)